The following is an entry in ClinVar:

ClinVar aggregate classification (germline): Pathogenic. Review status: criteria provided, multiple submitters, no conflicts (2 of 4 stars). 3 submissions from 3 submitters: Pathogenic (3). Last evaluated 2025-12-22.

Conditions:
Multiple endocrine neoplasia, type 1 (MEN1). Also called: MEN I; WERMER SYNDROME; Endocrine adenomatosis multiple; MEN 1; MEA I. Identifiers: Orphanet 652, MedGen C0025267, MeSH D018761, MONDO:0007540, OMIM 131100.
Multiple endocrine neoplasia. Identifiers: Orphanet 276161, MedGen C0027662, MONDO:0017169.
Hereditary cancer-predisposing syndrome. Also called: Neoplastic Syndromes, Hereditary; Tumor predisposition; Hereditary neoplastic syndrome; Hereditary Cancer Syndrome. Identifiers: Orphanet 140162, MedGen C0027672, MeSH D009386, MONDO:0015356.

Submissions (3):

Labcorp Genetics (formerly Invitae), Labcorp
Classification: Pathogenic for Multiple endocrine neoplasia, type 1. Last evaluated: 2025-12-22. Review status: criteria provided, single submitter. Criteria: Invitae Variant Classification Sherloc (09022015). Collection method: clinical testing. Allele origin: germline.
Comment: This sequence change affects a donor splice site in intron 7 of the MEN1 gene. It is expected to disrupt RNA splicing. Variants that disrupt the donor or acceptor splice site typically lead to a loss of protein function (PMID: 16199547), and loss-of-function variants in MEN1 are known to be pathogenic (PMID: 12112656, 17853334). This variant is not present in population databases (gnomAD no frequency). Disruption of this splice site has been observed in individual(s) with multiple endocrine neoplasia type 1 (PMID: 9463336, 11836268). In at least one individual the variant was observed to be de novo. This variant is also known as nt 6024. ClinVar contains an entry for this variant (Variation ID: 527268). Algorithms developed to predict the effect of sequence changes on RNA splicing suggest that this variant may disrupt the consensus splice site. For these reasons, this variant has been classified as Pathogenic.

Baylor Genetics
Classification: Pathogenic for Multiple Endocrine Neoplasia Type 1. Last evaluated: 2022-08-09. Review status: criteria provided, single submitter. Criteria: ACMG Guidelines, 2015. Collection method: clinical testing. Allele origin: unknown.

Ambry Genetics
Classification: Pathogenic for Hereditary cancer-predisposing syndrome. Last evaluated: 2018-11-29. Review status: criteria provided, single submitter. Criteria: Ambry Variant Classification Scheme 2023. Collection method: clinical testing. Allele origin: germline.
Comment: The c.1049+1G>A intronic pathogenic mutation results from a G to A substitution one nucleotide after coding exon 6 of the MEN1 gene. This mutation was seen in a patient with parathyroid, pancreatic, and pituitary tumors (Bassett JH et al. Am. J. Hum. Genet., 1998 Feb;62:232-44). In addition to the clinical data presented in the literature, alterations that disrupt the canonical splice site are expected to cause aberrant splicing, resulting in an abnormal protein or a transcript that is subject to nonsense-mediated mRNA decay. As such, this alteration is classified as a disease-causing mutation.

Literature cited by the submitters: PubMed 16199547 (cited by Labcorp Genetics (formerly Invitae), Labcorp); PubMed 12112656 (cited by Labcorp Genetics (formerly Invitae), Labcorp); PubMed 17853334 (cited by Labcorp Genetics (formerly Invitae), Labcorp); PubMed 9463336 (cited by Labcorp Genetics (formerly Invitae), Labcorp and Ambry Genetics); PubMed 11836268 (cited by Labcorp Genetics (formerly Invitae), Labcorp).

NM_001370259.2(MEN1):c.1049+1G>A

Gene: MEN1 (menin 1; minus strand). Cytogenetic location: 11q13.1.
Variant type: single nucleotide variant.
Coding change: c.1049+1G>A on transcript NM_001370259.2 (MANE Select); the canonical splice donor site of the intron after coding-DNA position 1049, G replaced by A.
Molecular consequence: splice donor variant. On other transcripts: non-coding transcript variant (4).
Genome position (GRCh38, 1-based): chr11:64,806,231, C>T on the plus strand (G>A on the coding strand, the complement: MEN1 is on the minus strand). VCF-style: chr11-64806231-C-T. GRCh37 (hg19) VCF-style: chr11-64573703-C-T.
Other names: c.1064+1G>A (NM_130804.3, NM_130803.3, NM_000244.4 and 5 more transcripts); c.944+1G>A (NM_001407148.1, NM_001407149.1, NM_001407151.1 and 2 more transcripts); c.1049+1G>A (NM_130799.3, NM_001407144.1, NM_001370260.2 and 7 more transcripts).
Identifiers: ClinVar variation 527268 (VCV000527268.16), dbSNP rs1114167489, ClinGen allele CA381183128.